The following is an entry in ClinVar:

NM_000176.3(NR3C1):c.514G>A (p.Gly172Ser)

Gene: NR3C1 (nuclear receptor subfamily 3 group C member 1; minus strand). Cytogenetic location: 5q31.3.
Variant type: single nucleotide variant.
Coding change: c.514G>A on transcript NM_000176.3 (MANE Select); coding-DNA position 514, G replaced by A.
Protein change: p.Gly172Ser; replaces glycine 172 with serine.
Molecular consequence: missense variant. On other transcripts: 5 prime UTR variant (3).
Genome position (GRCh38, 1-based): chr5:143,400,326, C>T on the plus strand (G>A on the coding strand, the complement: NR3C1 is on the minus strand). VCF-style: chr5-143400326-C-T. GRCh37 (hg19) VCF-style: chr5-142779891-C-T.
Other names: c.514G>A, p.Gly172Ser (NM_001018074.1, NM_001018075.1, NM_001018076.2 and 10 more transcripts); c.436G>A, p.Gly146Ser (NM_001204258.2); c.259G>A, p.Gly87Ser (NM_001204259.2); c.247G>A, p.Gly83Ser (NM_001204260.2); c.223G>A, p.Gly75Ser (NM_001204261.2); c.-432G>A (NM_001204262.2); c.-477G>A (NM_001204263.2); c.-492G>A (NM_001204264.2); short protein forms G172S, G83S, G75S, G87S, G146S.
Identifiers: ClinVar variation 1990305 (VCV001990305.6), dbSNP rs771893767, ClinGen allele CA3487063.

ClinVar aggregate classification (germline): Uncertain significance. Review status: criteria provided, multiple submitters, no conflicts (2 of 4 stars). 3 submissions from 3 submitters: Uncertain significance (3). Last evaluated 2025-06-16.

Conditions:
Inborn genetic diseases. Identifiers: MedGen C0950123, MeSH D030342.
Glucocorticoid resistance. Also called: Glucocorticoid resistance, generalized; Gccr deficiency; Glucocorticoid receptor deficiency; Cortisol resistance from glucocorticoid receptor defect; Gcr deficiency. Identifiers: Orphanet 786, MedGen C1841972, MONDO:0014421, OMIM 615962.

Allele frequency attached by ClinVar (database versions not stated): gnomAD 0.00001; gnomAD exomes 0.00001; TOPMed 0.00001; ExAC 0.00002.
gnomAD v4.1: 12 of 1,612,794 alleles (0.00074%); highest among the groups gnomAD compares: Non-Finnish European, 0.001%; no homozygotes.

Submissions (3):

Ambry Genetics
Classification: Uncertain significance for Inborn genetic diseases. Last evaluated: 2025-06-16. Review status: criteria provided, single submitter. Criteria: Ambry Variant Classification Scheme 2023. Collection method: clinical testing. Allele origin: germline.

Fulgent Genetics
Classification: Uncertain significance for Glucocorticoid resistance. Last evaluated: 2024-04-22. Review status: criteria provided, single submitter. Criteria: ACMG Guidelines, 2015. Collection method: clinical testing. Allele origin: germline.

Labcorp Genetics (formerly Invitae), Labcorp
Classification: Uncertain significance. Last evaluated: 2022-02-10. Review status: criteria provided, single submitter. Criteria: Invitae Variant Classification Sherloc (09022015). Collection method: clinical testing. Allele origin: germline.
Comment: In summary, the available evidence is currently insufficient to determine the role of this variant in disease. Therefore, it has been classified as a Variant of Uncertain Significance. Algorithms developed to predict the effect of missense changes on protein structure and function output the following: SIFT: "Tolerated"; PolyPhen-2: "Benign"; Align-GVGD: "Class C0". The serine amino acid residue is found in multiple mammalian species, which suggests that this missense change does not adversely affect protein function. This variant has not been reported in the literature in individuals affected with NR3C1-related conditions. This variant is present in population databases (rs771893767, gnomAD 0.003%). This sequence change replaces glycine, which is neutral and non-polar, with serine, which is neutral and polar, at codon 172 of the NR3C1 protein (p.Gly172Ser).